The following is an entry in ClinVar:

ClinVar aggregate classification (germline): Uncertain significance. Review status: criteria provided, multiple submitters, no conflicts (2 of 4 stars). 2 submissions from 2 submitters: Uncertain significance (2). Last evaluated 2022-09-13.

Conditions:
Desbuquois dysplasia 1 (DBQD1). Also called: DESBUQUOIS DYSPLASIA 1, KIM VARIANT; MICROMELIC DWARFISM WITH VERTEBRAL AND METAPHYSEAL ABNORMALITIES AND ADVANCED CARPOTARSAL OSSIFICATION. Identifiers: Orphanet 1425, MedGen C4012146, MONDO:0009629, OMIM 251450.

Allele frequency attached by ClinVar (database versions not stated): TOPMed below 0.00001; gnomAD 0.00001; gnomAD exomes 0.00001.
gnomAD v4.1: 8 of 1,613,972 alleles (0.0005%); highest among the groups gnomAD compares: Non-Finnish European, 0.00068%; no homozygotes.

Submissions (2):

Labcorp Genetics (formerly Invitae), Labcorp
Classification: Uncertain significance for Desbuquois dysplasia 1. Last evaluated: 2022-09-13. Review status: criteria provided, single submitter. Criteria: Invitae Variant Classification Sherloc (09022015). Collection method: clinical testing. Allele origin: germline.
Comment: This variant has not been reported in the literature in individuals affected with XYLT1-related conditions. This sequence change replaces glutamine, which is neutral and polar, with histidine, which is basic and polar, at codon 696 of the XYLT1 protein (p.Gln696His). This variant is not present in population databases (gnomAD no frequency). ClinVar contains an entry for this variant (Variation ID: 1497041). Advanced modeling of protein sequence and biophysical properties (such as structural, functional, and spatial information, amino acid conservation, physicochemical variation, residue mobility, and thermodynamic stability) performed at Invitae indicates that this missense variant is not expected to disrupt XYLT1 protein function. In summary, the available evidence is currently insufficient to determine the role of this variant in disease. Therefore, it has been classified as a Variant of Uncertain Significance.

Breakthrough Genomics
Classification: Uncertain significance. Review status: criteria provided, single submitter. Criteria: ACMG Guidelines, 2015. Collection method: not provided. Allele origin: germline. Inheritance: Autosomal recessive inheritance. Affected: yes.

NM_022166.4(XYLT1):c.2088G>T (p.Gln696His)

Gene: XYLT1 (xylosyltransferase 1; minus strand). Cytogenetic location: 16p12.3.
Variant type: single nucleotide variant.
Coding change: c.2088G>T on transcript NM_022166.4 (MANE Select); coding-DNA position 2088, G replaced by T.
Protein change: p.Gln696His; replaces glutamine 696 with histidine.
Molecular consequence: missense variant.
Genome position (GRCh38, 1-based): chr16:17,127,801, C>A on the plus strand (G>T on the coding strand, the complement: XYLT1 is on the minus strand). VCF-style: chr16-17127801-C-A. GRCh37 (hg19) VCF-style: chr16-17221658-C-A.
Other names: short protein forms Q696H.
Identifiers: ClinVar variation 1497041 (VCV001497041.9), dbSNP rs1459705274, ClinGen allele CA395219161.